The following is an entry in ClinVar:

NM_000548.5(TSC2):c.302T>G (p.Val101Gly)

Gene: TSC2 (TSC complex subunit 2; plus strand). Cytogenetic location: 16p13.3.
Variant type: single nucleotide variant.
Coding change: c.302T>G on transcript NM_000548.5 (MANE Select); coding-DNA position 302, T replaced by G.
Protein change: p.Val101Gly; replaces valine 101 with glycine.
Molecular consequence: missense variant. On other transcripts: 5 prime UTR variant (14), non-coding transcript variant (5), intron variant (9).
Genome position (GRCh38, 1-based): chr16:2,053,418, T>G. VCF-style: chr16-2053418-T-G. GRCh37 (hg19) VCF-style: chr16-2103419-T-G.
Other names: c.302T>G, p.Val101Gly (NM_001077183.3, NM_001114382.3, NM_001363528.2 and 10 more transcripts); c.155T>G, p.Val52Gly (NM_001318829.2, NM_001406675.1, NM_001406676.1 and 2 more transcripts); c.335T>G, p.Val112Gly (NM_001318832.2); c.-515T>G (NM_001406680.1, NM_001406683.1, NM_001406687.1); c.-144T>G (NM_001406681.1); c.-1130T>G (NM_001406689.1, NM_001406690.1, NM_001406691.1 and 2 more transcripts); c.-1436T>G (NM_001406693.1); c.-1011T>G (NM_001406694.1, NM_001406695.1); and 4 more; short protein forms V112G, V101G, V52G.
Identifiers: ClinVar variation 2564655 (VCV002564655.2), dbSNP rs2085372909, ClinGen allele CA394305868.

ClinVar aggregate classification (germline): Uncertain significance (1 of 4 stars; one submission).

Conditions:
Hereditary cancer-predisposing syndrome. Also called: Neoplastic Syndromes, Hereditary; Hereditary Cancer Syndrome; Hereditary neoplastic syndrome; Tumor predisposition. Identifiers: Orphanet 140162, MedGen C0027672, MeSH D009386, MONDO:0015356.

Submission:

Ambry Genetics
Classification: Uncertain significance for Hereditary cancer-predisposing syndrome. Last evaluated: 2023-04-18. Review status: criteria provided, single submitter. Criteria: Ambry Variant Classification Scheme 2023. Collection method: clinical testing. Allele origin: germline.
Comment: The p.V101G variant (also known as c.302T>G), located in coding exon 3 of the TSC2 gene, results from a T to G substitution at nucleotide position 302. The valine at codon 101 is replaced by glycine, an amino acid with dissimilar properties. This amino acid position is conserved. In addition, this alteration is predicted to be deleterious by in silico analysis. Since supporting evidence is limited at this time, the clinical significance of this alteration remains unclear.